The following is an entry in ClinVar:

NM_001142800.2(EYS):c.4067G>A (p.Arg1356His)

Gene: EYS (EGF-like photoreceptor maintenance factor; minus strand). Cytogenetic location: 6q12.
Variant type: single nucleotide variant.
Coding change: c.4067G>A on transcript NM_001142800.2 (MANE Select); coding-DNA position 4067, G replaced by A.
Protein change: p.Arg1356His; replaces arginine 1356 with histidine.
Molecular consequence: missense variant.
Genome position (GRCh38, 1-based): chr6:64,591,800, C>T on the plus strand (G>A on the coding strand, the complement: EYS is on the minus strand). VCF-style: chr6-64591800-C-T. GRCh37 (hg19) VCF-style: chr6-65301693-C-T.
Other names: c.4067G>A, p.Arg1356His (NM_001292009.2); c.4067G>A (NM_001142800.1); short protein forms R1356H.
Identifiers: ClinVar variation 1449051 (VCV001449051.6), dbSNP rs961867431, ClinGen allele CA140340974.

ClinVar aggregate classification (germline): Conflicting classifications of pathogenicity. Review status: criteria provided, conflicting classifications (1 of 4 stars). 2 submissions from 2 submitters: Uncertain significance (1); Likely benign (1). Last evaluated 2025-01-13.

Conditions:
Inborn genetic diseases. Identifiers: MedGen C0950123, MeSH D030342.

Allele frequency attached by ClinVar (database versions not stated): gnomAD exomes 0.00006; TOPMed 0.00006; gnomAD 0.00013.
gnomAD v4.1: 52 of 1,551,052 alleles (0.0034%); highest among the groups gnomAD compares: Admixed American, 0.057%; no homozygotes.

Submissions (2):

Labcorp Genetics (formerly Invitae), Labcorp
Classification: Uncertain significance. Last evaluated: 2025-01-13. Review status: criteria provided, single submitter. Criteria: Invitae Variant Classification Sherloc (09022015). Collection method: clinical testing. Allele origin: germline.
Comment: This sequence change replaces arginine, which is basic and polar, with histidine, which is basic and polar, at codon 1356 of the EYS protein (p.Arg1356His). This variant is present in population databases (no rsID available, gnomAD 0.03%). This variant has not been reported in the literature in individuals affected with EYS-related conditions. ClinVar contains an entry for this variant (Variation ID: 1449051). Invitae Evidence Modeling of protein sequence and biophysical properties (such as structural, functional, and spatial information, amino acid conservation, physicochemical variation, residue mobility, and thermodynamic stability) indicates that this missense variant is not expected to disrupt EYS protein function with a negative predictive value of 80%. In summary, the available evidence is currently insufficient to determine the role of this variant in disease. Therefore, it has been classified as a Variant of Uncertain Significance.

Ambry Genetics
Classification: Likely benign for Inborn genetic diseases. Last evaluated: 2021-10-26. Review status: criteria provided, single submitter. Criteria: Ambry Variant Classification Scheme 2023. Collection method: clinical testing. Allele origin: germline.